The following is an entry in ClinVar:

NC_000003.11:g.(?_150645723)_(150690495_?)dup

Gene: CLRN1 (clarin 1; minus strand). Cytogenetic location: 3q25.1.
Variant type: Duplication.
Identifiers: ClinVar variation 1412898 (VCV001412898.3).

ClinVar aggregate classification (germline): Uncertain significance (1 of 4 stars; one submission).

Submission:

Labcorp Genetics (formerly Invitae), Labcorp
Classification: Uncertain significance. Last evaluated: 2021-11-27. Review status: criteria provided, single submitter. Criteria: Invitae Variant Classification Sherloc (09022015). Collection method: clinical testing. Allele origin: germline.
Comment: A copy number gain of the genomic region encompassing the full coding sequence of the CLRN1 gene has been identified. The boundaries of this event are unknown as they extend beyond the assayed region for this gene and therefore may encompass additional genes. As the precise location of this event is unknown, it may be in tandem or it may be located elsewhere in the genome. This variant has not been reported in the literature in individuals affected with CLRN1-related conditions. In summary, the available evidence is currently insufficient to determine the role of this variant in disease. Therefore, it has been classified as a Variant of Uncertain Significance.